The following is an entry in ClinVar:

ClinVar aggregate classification (germline): Likely benign. Review status: criteria provided, single submitter (1 of 4 stars). 2 submissions from 2 submitters: Likely benign (1). 1 of the submissions does not count toward it. Last evaluated 2025-09-25.

Conditions:
WNT2B-related disorder. Also called: WNT2B-related condition.

Allele frequency attached by ClinVar (database versions not stated): gnomAD 0.00003; ExAC 0.00004.
gnomAD v4.1: 68 of 1,614,144 alleles (0.0042%); highest among the groups gnomAD compares: Non-Finnish European, 0.0055%; no homozygotes.

Submissions (2):

Labcorp Genetics (formerly Invitae), Labcorp
Classification: Likely benign. Last evaluated: 2025-09-25. Review status: criteria provided, single submitter. Criteria: Invitae Variant Classification Sherloc (09022015). Collection method: clinical testing. Allele origin: germline.

PreventionGenetics, part of Exact Sciences
Classification: Likely benign for WNT2B-related condition. Last evaluated: 2021-07-27. Review status: no assertion criteria provided. Collection method: clinical testing. Allele origin: germline. Not counted in ClinVar's aggregate classification.
Comment: This variant is classified as likely benign based on ACMG/AMP sequence variant interpretation guidelines (Richards et al. 2015 PMID: 25741868, with internal and published modifications).

NM_024494.3(WNT2B):c.225C>T (p.Ile75=)

Gene: WNT2B (Wnt family member 2B; plus strand). Cytogenetic location: 1p13.2.
Variant type: single nucleotide variant.
Coding change: c.225C>T on transcript NM_024494.3 (MANE Select); coding-DNA position 225, C replaced by T.
Protein change: p.Ile75=; no amino-acid change (isoleucine 75 retained).
Molecular consequence: synonymous variant. On other transcripts: 5 prime UTR variant (1).
Genome position (GRCh38, 1-based): chr1:112,514,916, C>T. VCF-style: chr1-112514916-C-T. GRCh37 (hg19) VCF-style: chr1-113057538-C-T.
Other names: c.-52C>T (NM_001291880.1); c.168C>T, p.Ile56= (NM_004185.4); c.225C>T (NM_024494.2).
Identifiers: ClinVar variation 1898254 (VCV001898254.7), dbSNP rs533989713, ClinGen allele CA1008218.
Genomic context (GRCh38, chr1:112,514,916, plus strand): 5'-GCCATCTCTGCCTTGCAGGTACATTGGGGCACTGGGGGCACGAGTGATCTGTGACAATAT[C>T]CCTGGTTTGGTGAGCCGGCAGCGGCAGCTGTGCCAGCGTTACCCAGACATCATGCGTTCA-3'
Protein context (NP_078613.1, residues 65-85): ALGARVICDN[Ile75=]PGLVSRQRQL